The following is an entry in ClinVar:

ClinVar aggregate classification (germline): Benign. Review status: criteria provided, multiple submitters, no conflicts (2 of 4 stars). 4 submissions from 4 submitters: Benign (3). 1 of the submissions does not count toward it. Last evaluated 2025-07-21.

Conditions:
CFTR-related disorder (CFTR-RD). Also called: CFTR-related condition; CFTR-related disorders. Identifiers: MedGen C5924204, MONDO:7770004.
Cystic fibrosis (CF). Also called: MUCOVISCIDOSIS. Identifiers: Orphanet 586, MedGen C0010674, MONDO:0009061, OMIM 219700. Disease mechanism: loss of function.

Submissions (4):

ARUP Laboratories, Molecular Genetics and Genomics, ARUP Laboratories
Classification: Benign. Last evaluated: 2025-07-21. Review status: criteria provided, single submitter. Criteria: ARUP Molecular Germline Variant Investigation Process 2024. Collection method: clinical testing. Allele origin: germline.

Labcorp Genetics (formerly Invitae), Labcorp
Classification: Benign for Cystic fibrosis. Last evaluated: 2021-12-18. Review status: criteria provided, single submitter. Criteria: Invitae Variant Classification Sherloc (09022015). Collection method: clinical testing. Allele origin: germline.

CFTR-France
Classification: Benign for cystic fibrosis. Last evaluated: 2018-01-29. Review status: criteria provided, single submitter. Criteria: Claustres M et al. (Hum Mutat 2017). Collection method: curation. Allele origin: germline. Affected: no.
Comment: the variant does not result in CFTR-RD neither

PreventionGenetics, part of Exact Sciences
Classification: Benign for CFTR-related condition. Last evaluated: 2019-10-22. Review status: no assertion criteria provided. Collection method: clinical testing. Allele origin: germline. Not counted in ClinVar's aggregate classification.
Comment: This variant is classified as benign based on ACMG/AMP sequence variant interpretation guidelines (Richards et al. 2015 PMID: 25741868, with internal and published modifications).

NM_000492.4(CFTR):c.1210-34TG[13]

Genes: CFTR (CF transmembrane conductance regulator; plus strand), CFTR-AS1 (CFTR antisense RNA 1; minus strand). Cytogenetic location: 7q31.2.
Variant type: Microsatellite.
Coding change: c.1210-34TG[13] on transcript NM_000492.4 (MANE Select); 13 copies in a row of the 2-base unit TG starting at c.1210-34.
Molecular consequence: intron variant.
Genome position: GRCh38 VCF-style: chr7-117548606-A-ATGTG. GRCh37 (hg19) VCF-style: chr7-117188660-A-ATGTG.
Other names: c.1210-16_1210-13dupTGTG (NM_000492.3); c.1210-15_1210-12dupGTGT (NM_000492.3).
Identifiers: ClinVar variation 496577 (VCV000496577.10), dbSNP rs3832534, ClinGen allele CA4450936.
Genomic context (GRCh38, chr7:117,548,606, plus strand): 5'-TAATTGTACATAAAACAAGCATCTATTGAAAATATCTGACAAACTCATCTTTTATTTTTG[A>ATGTG]TGTGTGTGTGTGTGTGTGTGTGTTTTTTTAACAGGGATTTGGGGAATTATTTGAGAAAGC-3'